The following is an entry in ClinVar:

ClinVar aggregate classification (germline): Pathogenic (1 of 4 stars; one submission).

Conditions:
Neurofibromatosis, type 1 (NF1). Also called: NEUROFIBROMATOSIS, TYPE I, SOMATIC; Neurofibromatosis, type I; Peripheral type neurofibromatosis; VON RECKLINGHAUSEN DISEASE. Identifiers: Orphanet 636, MedGen C0027831, MONDO:0018975, OMIM 162200. Disease mechanism: loss of function.

Submission:

Labcorp Genetics (formerly Invitae), Labcorp
Classification: Pathogenic for Neurofibromatosis, type 1. Last evaluated: 2022-08-03. Review status: criteria provided, single submitter. Criteria: Invitae Variant Classification Sherloc (09022015). Collection method: clinical testing. Allele origin: germline.
Comment: For these reasons, this variant has been classified as Pathogenic. This variant has not been reported in the literature in individuals affected with NF1-related conditions. Information on the frequency of this variant in the gnomAD database is not available, as this variant may be reported differently in the database. This sequence change creates a premature translational stop signal (p.Arg314_Gln315delinsSer*) in the NF1 gene. It is expected to result in an absent or disrupted protein product. Loss-of-function variants in NF1 are known to be pathogenic (PMID: 10712197, 23913538).

Literature cited by the submitters: PubMed 10712197; PubMed 23913538.

NM_001042492.3(NF1):c.942_943delinsTT (p.Arg314_Gln315delinsSerTer)

Gene: NF1 (neurofibromin 1; plus strand). Cytogenetic location: 17q11.2.
Variant type: Indel.
Coding change: c.942_943delinsTT on transcript NM_001042492.3 (MANE Select); coding-DNA positions 942 to 943, GC replaced by TT.
Protein change: p.Arg314_Gln315delinsSerTer.
Molecular consequence: nonsense.
Genome position (GRCh38, 1-based): chr17:31,200,475-31,200,476, GC replaced by TT. VCF-style: chr17-31200475-GC-TT. GRCh37 (hg19) VCF-style: chr17-29527493-GC-TT.
Other names: c.942_943delGCinsTT, p.Arg314_Gln315delinsSerTer (NM_000267.4); c.942_943delinsTT, p.Arg314_Gln315delinsSerTer (NM_001128147.3).
Identifiers: ClinVar variation 2020071 (VCV002020071.4), dbSNP rs2544793663, ClinGen allele CA2580092811.
Genomic context (GRCh38, chr17:31,200,475, plus strand): 5'-TCTGTAGAAGTTATTTCTGGACAGTCTACGAAAAGCTCTTGCTGGCCATGGAGGAAGTAG[GC>TT]AGCTGACAGAAAGTGCTGCAATTGCCTGTGTCAAACTGTGTAAAGCAAGTACTTACATCA-3'